The following is an entry in ClinVar:

NM_000235.4(LIPA):c.846A>G (p.Thr282=)

Gene: LIPA (lipase A, lysosomal acid type; minus strand). Cytogenetic location: 10q23.31.
Variant type: single nucleotide variant.
Coding change: c.846A>G on transcript NM_000235.4 (MANE Select); coding-DNA position 846, A replaced by G.
Protein change: p.Thr282=; no amino-acid change (threonine 282 retained).
Molecular consequence: synonymous variant.
Genome position (GRCh38, 1-based): chr10:89,222,559, T>C on the plus strand (A>G on the coding strand, the complement: LIPA is on the minus strand). VCF-style: chr10-89222559-T-C. GRCh37 (hg19) VCF-style: chr10-90982316-T-C.
Other names: c.846A>G, p.Thr282= (NM_001127605.3); c.498A>G, p.Thr166= (NM_001288979.2).
Identifiers: ClinVar variation 282063 (VCV000282063.33), dbSNP rs534838107, ClinGen allele CA5593589.
Genomic context (GRCh38, chr10:89,222,559, plus strand): 5'-TGGAATGCCTACCTGGCTCCAGTGTAACATGTTTTGCACAGAAGTTCCAGCAGGAGAATG[T>C]GTTGTATATACATCCACTCTAGACTGCAAAATAAATACATTGAAATGAAGAATGAAAACA-3'
Protein context (NP_000226.2, residues 272-292): LNMSRVDVYT[Thr282=]HSPAGTSVQN

ClinVar aggregate classification (germline): Conflicting classifications of pathogenicity. Review status: criteria provided, conflicting classifications (1 of 4 stars). 7 submissions from 7 submitters: Uncertain significance (1); Likely benign (4). 2 of the submissions do not count toward it. Last evaluated 2025-10-30.

Conditions:
LIPA-related disorder. Also called: LIPA-related condition; LIPA-related disorders.
Wolman disease (WOLD). Also called: Infantile-Onset LAL-D (Wolman Disease); Wolman disease with hypolipoproteinemia and acanthocytosis; Acid cholesteryl ester hydrolase deficiency, Wolman type; Acid lipase disease; Wolman disease, CESD; LYSOSOMAL ACID LIPASE DEFICIENCY, ACUTE INFANTILE. Identifiers: Orphanet 75233, MedGen C0043208, MONDO:0019148, OMIM 620151.
Lysosomal acid lipase deficiency. Also called: Acid cholesteryl ester hydrolase deficiency, type 2. Identifiers: Orphanet 275761, MedGen C5574740, MONDO:0800449, MONDO:0010204.
Cardiovascular phenotype. Identifiers: MedGen CN230736.
Cholesteryl ester storage disease (CESD). Also called: Childhood/Adult-Onset LAL-D (Cholesterol Ester Storage Disease [CESD]). Identifiers: Orphanet 75234, MedGen C0008384, MONDO:0019149, OMIM 278000.

Allele frequency attached by ClinVar (database versions not stated): gnomAD 0.00003; TOPMed 0.00003; 1000 Genomes Project 0.00020; 1000 Genomes Project 30x 0.00031.
gnomAD v4.1: 42 of 1,607,418 alleles (0.0026%); highest among the groups gnomAD compares: Middle Eastern, 0.017%; no homozygotes.

Submissions (7):

PreventionGenetics, part of Exact Sciences
Classification: Likely benign for LIPA-related condition. Last evaluated: 2025-10-30. Review status: criteria provided, single submitter. Criteria: ACMG Guidelines, 2015. Collection method: clinical testing. Allele origin: germline.
Comment: This variant is classified as likely benign based on ACMG/AMP sequence variant interpretation guidelines (Richards et al. 2015 PMID: 25741868, with internal and published modifications).

Labcorp Genetics (formerly Invitae), Labcorp
Classification: Likely benign for Wolman disease. Last evaluated: 2025-10-13. Review status: criteria provided, single submitter. Criteria: Invitae Variant Classification Sherloc (09022015). Collection method: clinical testing. Allele origin: germline.

CeGaT Center for Human Genetics Tuebingen
Classification: Likely benign. Last evaluated: 2025-07-01. Review status: criteria provided, single submitter. Criteria: CeGaT Center For Human Genetics Tuebingen Variant Classification Criteria Version 2. Collection method: clinical testing. Allele origin: germline. Affected: yes. Observed: 1 variant allele.
Comment: LIPA: BP4, BP7

Ambry Genetics
Classification: Likely benign for Cardiovascular phenotype. Last evaluated: 2023-07-30. Review status: criteria provided, single submitter. Criteria: Ambry Variant Classification Scheme 2023. Collection method: clinical testing. Allele origin: germline.

Eurofins Ntd Llc (ga)
Classification: Uncertain significance. Last evaluated: 2018-05-10. Review status: criteria provided, single submitter. Criteria: EGL ClinVar v180209 classification definitions. Collection method: clinical testing. Allele origin: germline. Observed: 3 variant alleles, 3 heterozygotes.

Natera, Inc.
Classification: Likely benign for Lysosomal acid lipase deficiency. Last evaluated: 2020-03-30. Review status: no assertion criteria provided. Collection method: clinical testing. Allele origin: germline. Not counted in ClinVar's aggregate classification.

Counsyl
Classification: Uncertain significance for Cholesteryl ester storage disease. Last evaluated: 2018-03-02. Review status: no assertion criteria provided. Collection method: clinical testing. Allele origin: unknown. Not counted in ClinVar's aggregate classification.

Literature cited by the submitters: PubMed 28502505 (cited by Counsyl).